The following is an entry in ClinVar:

NM_001128159.3(VPS53):c.275dup (p.Asp92fs)

Gene: VPS53 (VPS53 subunit of GARP complex; minus strand). Cytogenetic location: 17p13.3.
Variant type: Duplication.
Coding change: c.275dup on transcript NM_001128159.3 (MANE Select); coding-DNA position 275, one base duplicated (A; older notation c.275dupA).
Protein change: p.Asp92fs; shifts the reading frame from aspartic acid 92.
Molecular consequence: frameshift variant. On other transcripts: 5 prime UTR variant (1).
Genome position (GRCh38, 1-based): chr17:697,428, T duplicated on the plus strand (A on the coding strand, the reverse complement: VPS53 is on the minus strand). VCF-style (leftmost placement, unchanged base first): chr17-697427-A-AT. GRCh37 (hg19) VCF-style: chr17-600667-A-AT.
Other names: c.275dup, p.Asp92fs (NM_001366253.2, NM_018289.4); c.-418dup (NM_001366254.2); short protein forms D92fs.
Identifiers: ClinVar variation 5013795 (VCV005013795.1).

ClinVar aggregate classification (germline): Pathogenic (1 of 4 stars; one submission).

Conditions:
Pontocerebellar hypoplasia type 2E. Identifiers: Orphanet 247198, MedGen C4014488, MONDO:0014370, OMIM 615851.

Submission:

Myriad Genetics, Inc.
Classification: Pathogenic for Pontocerebellar hypoplasia type 2E. Last evaluated: 2024-11-23. Review status: criteria provided, single submitter. Criteria: Myriad Autosomal Dominant, Autosomal Recessive and X-Linked Classification Criteria (2023). Collection method: clinical testing. Allele origin: unknown.
Comment: NM_001128159.2(VPS53):c.275dupA(D92Efs*7) is expected to be pathogenic in the context of pontocerebellar hypoplasia, VPS53-related. This variant is predicted to lead to an abnormal or absent protein product due to the creation of a premature termination codon in VPS53, a gene where loss-of-function variants are known to be pathogenic. Please note: this variant was assessed in the context of healthy population screening.